The following is an entry in ClinVar:

NM_004715.5(CTDP1):c.1758G>A (p.Glu586=)

Gene: CTDP1 (CTD phosphatase 1; plus strand). Cytogenetic location: 18q23.
Variant type: single nucleotide variant.
Coding change: c.1758G>A on transcript NM_004715.5 (MANE Select); coding-DNA position 1758, G replaced by A.
Protein change: p.Glu586=; no amino-acid change (glutamic acid 586 retained).
Molecular consequence: synonymous variant.
Genome position (GRCh38, 1-based): chr18:79,715,218, G>A. VCF-style: chr18-79715218-G-A. GRCh37 (hg19) VCF-style: chr18-77475218-G-A.
Other names: c.1401G>A, p.Glu467= (NM_001202504.1); c.1758G>A, p.Glu586= (NM_001318511.2, NM_048368.4).
Identifiers: ClinVar variation 2648831 (VCV002648831.24), dbSNP rs2512088157, ClinGen allele CA504866886.
Genomic context (GRCh38, chr18:79,715,218, plus strand): 5'-CACTGCGGGTGAGTCCCTGGACCAGAGCATGGAGGAGGAGGAGGAGGAGGACACGGATGA[G>A]GATGACCACCTCATCTACCTGGAGGAGATCCTGGTCCGTGTACACACTGACTACTATGCC-3'
Protein context (NP_004706.3, residues 576-596): MEEEEEEDTD[Glu586=]DDHLIYLEEI

ClinVar aggregate classification (germline): Likely benign (1 of 4 stars; one submission).

Submission:

CeGaT Center for Human Genetics Tuebingen
Classification: Likely benign. Last evaluated: 2023-08-01. Review status: criteria provided, single submitter. Criteria: CeGaT Center For Human Genetics Tuebingen Variant Classification Criteria Version 2. Collection method: clinical testing. Allele origin: germline. Affected: yes. Observed: 1 variant allele.
Comment: CTDP1: PM2:Supporting, BP4, BP7